The following is an entry in ClinVar:

ClinVar aggregate classification (germline): Uncertain significance (1 of 4 stars; one submission).

Allele frequency attached by ClinVar (database versions not stated): gnomAD exomes below 0.00001.
gnomAD v4.1: 2 of 1,614,020 alleles (0.00012%); highest among the groups gnomAD compares: Non-Finnish European, 0.000085%; no homozygotes.

Submission:

GeneDx
Classification: Uncertain significance. Last evaluated: 2020-10-23. Review status: criteria provided, single submitter. Criteria: GeneDx Variant Classification Process June 2021. Collection method: clinical testing. Allele origin: germline. Affected: yes.
Comment: Not observed in large population cohorts (Lek et al., 2016); In silico analysis supports that this missense variant does not alter protein structure/function; Has not been previously published as pathogenic or benign to our knowledge

NM_001190274.2(FBXO11):c.544G>A (p.Val182Ile)

Gene: FBXO11 (F-box protein 11; minus strand). Cytogenetic location: 2p16.3.
Variant type: single nucleotide variant.
Coding change: c.544G>A on transcript NM_001190274.2 (MANE Select); coding-DNA position 544, G replaced by A.
Protein change: p.Val182Ile; replaces valine 182 with isoleucine.
Molecular consequence: missense variant.
Genome position (GRCh38, 1-based): chr2:47,838,902, C>T on the plus strand (G>A on the coding strand, the complement: FBXO11 is on the minus strand). VCF-style: chr2-47838902-C-T. GRCh37 (hg19) VCF-style: chr2-48066041-C-T.
Other names: c.292G>A, p.Val98Ile (NM_001374325.1, NM_025133.4); short protein forms V182I, V98I.
Identifiers: ClinVar variation 1313260 (VCV001313260.2), dbSNP rs2104856155, ClinGen allele CA346812890.